The following is an entry in ClinVar:

NM_030957.4(ADAMTS10):c.2293dup (p.Gln765fs)

Gene: ADAMTS10 (ADAM metallopeptidase with thrombospondin type 1 motif 10; minus strand). Cytogenetic location: 19p13.2.
Variant type: Duplication.
Coding change: c.2293dup on transcript NM_030957.4 (MANE Select); coding-DNA position 2293, one base duplicated (C; older notation c.2293dupC).
Protein change: p.Gln765fs; shifts the reading frame from glutamine 765.
Molecular consequence: frameshift variant.
Genome position (GRCh38, 1-based): chr19:8,586,668, G duplicated on the plus strand (C on the coding strand, the reverse complement: ADAMTS10 is on the minus strand); the first of 6 consecutive G bases (chr19:8,586,668-8,586,673); duplicating any one gives the same sequence. VCF-style (leftmost placement, unchanged base first): chr19-8586667-T-TG. GRCh37 (hg19) VCF-style: chr19-8651551-T-TG.
Other names: c.754dup, p.Gln252fs (NM_001282352.2); short protein forms Q252fs, Q765fs.
Identifiers: ClinVar variation 1434770 (VCV001434770.6), dbSNP rs782743337, ClinGen allele CA884318422.

ClinVar aggregate classification (germline): Pathogenic (1 of 4 stars; one submission).

Submission:

Labcorp Genetics (formerly Invitae), Labcorp
Classification: Pathogenic. Last evaluated: 2022-10-05. Review status: criteria provided, single submitter. Criteria: Invitae Variant Classification Sherloc (09022015). Collection method: clinical testing. Allele origin: germline.
Comment: ClinVar contains an entry for this variant (Variation ID: 1434770). For these reasons, this variant has been classified as Pathogenic. This variant has not been reported in the literature in individuals affected with ADAMTS10-related conditions. This variant is not present in population databases (gnomAD no frequency). This sequence change creates a premature translational stop signal (p.Gln765Profs*31) in the ADAMTS10 gene. It is expected to result in an absent or disrupted protein product. Loss-of-function variants in ADAMTS10 are known to be pathogenic (PMID: 15368195, 18567016).

Literature cited by the submitters: PubMed 15368195; PubMed 18567016.